The following is an entry in ClinVar:

GRCh38/hg38 9q32(chr9:114069751-114419813)x3

Genes: AKNA (AT-hook transcription factor; minus strand), AMBP (alpha-1-microglobulin/bikunin precursor; minus strand), COL27A1 (collagen type XXVII alpha 1 chain; plus strand), KIF12 (kinesin family member 12; minus strand), MIR455 (microRNA 455; plus strand) and 21 more. Cytogenetic location: 9q32.
Variant type: copy number gain.
Change: copy number 3 (three copies instead of two) of chr9:114,069,751-114,419,813 (350.1 kb, GRCh38 coordinates, 1-based), cytogenetic band 9q32.
Identifiers: ClinVar variation 4886921 (VCV004886921.1).

ClinVar aggregate classification (germline): Uncertain significance (1 of 4 stars; one submission).

Conditions:
Congenital anomaly of kidney and urinary tract. Also called: Congenital anomalies of kidney and urinary tract; Congenital anomalies of the kidney and urinary tract. Identifiers: Orphanet 93545, MedGen C1968949, MeSH C566906, MONDO:0019719.

Submission:

Medical Genetics, Marmara University School Of Medicine
Classification: Uncertain significance for Congenital anomalies of the kidney and urinary tract. Last evaluated: 2026-07-09. Review status: criteria provided, single submitter. Criteria: Variant Classification Assertion Criteria, v1. Collection method: research. Allele origin: germline, paternal. Affected: yes. Observed: 2 variant alleles, 2 heterozygotes. Clinical features observed: Bilateral kidney hypoplasia, Bilateral pelviectasis, Increased renal parenchymal echogenicity, Chronic kidney disease, Bilateral cystic kidney disease, Left pelviectasis. Segregation with disease not observed.
Comment: AMBP, KIF12, COL27A1, ORM1, ORM2 and AKNA lie entirely within the interval; AMBP and WHRN are disrupted by the breakpoints. Of these, KIF12, COL27A1 and WHRN are OMIM disease genes. Classified as uncertain significance per the ACMG/ClinGen CNV interpretation guidelines (PMID:31690835): the interval contains no established triplosensitive gene, and case-level evidence from an independent CNV survey (PMID:26352300) raised the total score to only 0.10. KIF12 dosage modifies cystic kidney disease severity in mice (PMID:19005009), nominating this region as a candidate CAKUT susceptibility locus.

Literature cited by the submitters: PubMed 26352300; PubMed 19005009.